The following is an entry in ClinVar:

NM_152743.4(BRAT1):c.1220C>T (p.Pro407Leu)

Gene: BRAT1 (BRCA1 associated ATM activator 1; minus strand). Cytogenetic location: 7p22.3.
Variant type: single nucleotide variant.
Coding change: c.1220C>T on transcript NM_152743.4 (MANE Select); coding-DNA position 1220, C replaced by T.
Protein change: p.Pro407Leu; replaces proline 407 with leucine.
Molecular consequence: missense variant. On other transcripts: non-coding transcript variant (1).
Genome position (GRCh38, 1-based): chr7:2,541,399, G>A on the plus strand (C>T on the coding strand, the complement: BRAT1 is on the minus strand). VCF-style: chr7-2541399-G-A. GRCh37 (hg19) VCF-style: chr7-2581033-G-A.
Other names: c.1220C>T, p.Pro407Leu (NM_001350626.2); c.695C>T, p.Pro232Leu (NM_001350627.2); short protein forms P407L, P232L.
Identifiers: ClinVar variation 2053639 (VCV002053639.4), dbSNP rs1314756264, ClinGen allele CA366629208.

ClinVar aggregate classification (germline): Uncertain significance (1 of 4 stars; one submission).

Conditions:
Neonatal-onset encephalopathy with rigidity and seizures. Also called: Lethal neonatal spasticity-epileptic encephalopathy syndrome. Identifiers: Orphanet 435845, MedGen C3281029, MONDO:0013784, OMIM 614498.

Allele frequency attached by ClinVar (database versions not stated): TOPMed 0.00001.
gnomAD v4.1: 1 of 1,603,166 alleles (0.000062%); highest among the groups gnomAD compares: East Asian, 0.0022%; no homozygotes.

Submission:

Labcorp Genetics (formerly Invitae), Labcorp
Classification: Uncertain significance for Neonatal-onset encephalopathy with rigidity and seizures. Last evaluated: 2023-11-28. Review status: criteria provided, single submitter. Criteria: Invitae Variant Classification Sherloc (09022015). Collection method: clinical testing. Allele origin: germline.
Comment: This sequence change replaces proline, which is neutral and non-polar, with leucine, which is neutral and non-polar, at codon 407 of the BRAT1 protein (p.Pro407Leu). This variant is present in population databases (no rsID available, gnomAD 0.01%). This variant has not been reported in the literature in individuals affected with BRAT1-related conditions. ClinVar contains an entry for this variant (Variation ID: 2053639). Advanced modeling of protein sequence and biophysical properties (such as structural, functional, and spatial information, amino acid conservation, physicochemical variation, residue mobility, and thermodynamic stability) performed at Invitae indicates that this missense variant is not expected to disrupt BRAT1 protein function with a negative predictive value of 80%. In summary, the available evidence is currently insufficient to determine the role of this variant in disease. Therefore, it has been classified as a Variant of Uncertain Significance.